The following is an entry in ClinVar:

NM_007294.4(BRCA1):c.277T>G (p.Phe93Val)

Gene: BRCA1 (BRCA1 DNA repair associated; minus strand). Cytogenetic location: 17q21.31.
Variant type: single nucleotide variant.
Coding change: c.277T>G on transcript NM_007294.4 (MANE Select); coding-DNA position 277, T replaced by G.
Protein change: p.Phe93Val; replaces phenylalanine 93 with valine.
Molecular consequence: missense variant. On other transcripts: non-coding transcript variant (1).
Genome position (GRCh38, 1-based): chr17:43,104,892, A>C on the plus strand (T>G on the coding strand, the complement: BRCA1 is on the minus strand). VCF-style: chr17-43104892-A-C. GRCh37 (hg19) VCF-style: chr17-41256909-A-C.
Other names: c.67T>G, p.Phe23Val (NM_001407571.1, NM_001407853.1, NM_001407879.1 and 58 more transcripts); c.277T>G, p.Phe93Val (NM_001407581.1, NM_001407582.1, NM_001407583.1 and 168 more transcripts); c.199T>G, p.Phe67Val (NM_001407653.1, NM_001407654.1, NM_001407655.1 and 21 more transcripts); c.136T>G, p.Phe46Val (NM_001407692.1, NM_001407694.1, NM_001407695.1 and 99 more transcripts); c.-105T>G (NM_001407959.1, NM_001407960.1, NM_001407962.1 and 4 more transcripts); c.145T>G, p.Phe49Val (NM_001408451.1); short protein forms F93V, F46V, F23V, F49V, F67V.
Identifiers: ClinVar variation 865358 (VCV000865358.3), dbSNP rs2054677674, ClinGen allele CA10601601.
Genomic context (GRCh38, chr17:43,104,892, plus strand): 5'-CACTTGAGTGTCATTCTTGGGATATTCAACACTTACACTCCAAACCTGTGTCAAGCTGAA[A>C]AGCACAAATGATTTTCAATAGCTCTTCAACAAGTTGACTAAATCTCGTACTTTCTTGTAG-3'
Protein context (NP_009225.1, residues 83-103): VEELLKIICA[Phe93Val]QLDTGLEYAN

Conditions:
Breast-ovarian cancer, familial, susceptibility to, 1 (BROVCA1). Also called: BRCA1 Hereditary Breast and Ovarian Cancer; OVARIAN CANCER, SUSCEPTIBILITY TO. Identifiers: Orphanet 145, MedGen C2676676, MONDO:0011450, OMIM 604370. Disease mechanism: loss of function.

Submission:

Brotman Baty Institute, University of Washington
No classification provided (evidence only). Condition: Breast-ovarian cancer, familial 1. Review status: no classification provided. Collection method: in vitro. Allele origin: not applicable. Functional consequence: functionally_normal.
ClinVar note: "not provided" was previously submitted as the classification for the variant. However, the classification appeared to be based only on an observation of functional data so it was converted to no classification on 2025-07-30.